The following is an entry in ClinVar:

ClinVar aggregate classification (germline): Uncertain significance (1 of 4 stars; one submission).

gnomAD v4.1: 2 of 1,613,688 alleles (0.00012%); highest among the groups gnomAD compares: South Asian, 0.0011%; no homozygotes.

Submission:

Dasa
Classification: Uncertain significance. Last evaluated: 2026-02-19. Review status: criteria provided, single submitter. Criteria: DASA Assertion Criteria. Collection method: clinical testing. Allele origin: germline.
Comment: NM_152594.3(SPRED1):c.365A>G (p.Asp122Gly) is a missense variant that results in the substitution of aspartic acid with glycine. This variant is rare in population databases. Computational prediction algorithms are consistent with a deleterious effect. The currently available literature and clinical evidence are not sufficient to establish a definitive association between this variant and the reported condition. Therefore, this variant is classified as a variant of uncertain significance.

NM_152594.3(SPRED1):c.365A>G (p.Asp122Gly)

Gene: SPRED1 (sprouty related EVH1 domain containing 1; plus strand). Cytogenetic location: 15q14.
Variant type: single nucleotide variant.
Coding change: c.365A>G on transcript NM_152594.3 (MANE Select); coding-DNA position 365, A replaced by G.
Protein change: p.Asp122Gly; replaces aspartic acid 122 with glycine.
Molecular consequence: missense variant.
Genome position (GRCh38, 1-based): chr15:38,322,398, A>G. VCF-style: chr15-38322398-A-G. GRCh37 (hg19) VCF-style: chr15-38614599-A-G.
Other names: short protein forms D122G.
Identifiers: ClinVar variation 4883138 (VCV004883138.2).